The following is an entry in ClinVar:

NM_000038.6(APC):c.2011del (p.Ser671fs)

Gene: APC (APC regulator of Wnt signaling pathway; plus strand). Cytogenetic location: 5q22.2.
Variant type: Deletion.
Coding change: c.2011del on transcript NM_000038.6 (MANE Select); coding-DNA position 2011, one base deleted (T; older notation c.2011delT).
Protein change: p.Ser671fs; shifts the reading frame from serine 671.
Molecular consequence: frameshift variant.
Genome position (GRCh38, 1-based): chr5:112,837,605, T deleted. VCF-style (leftmost placement, unchanged base first): chr5-112837604-AT-A. GRCh37 (hg19) VCF-style: chr5-112173301-AT-A.
Other names: c.2011del, p.Ser671fs (NM_001127510.3, NM_001354895.2); c.1957del, p.Ser653fs (NM_001127511.3); c.2065del, p.Ser689fs (NM_001354896.2); c.2041del, p.Ser681fs (NM_001354897.2); c.1936del, p.Ser646fs (NM_001354898.2); c.1927del, p.Ser643fs (NM_001354899.2); c.1888del, p.Ser630fs (NM_001354900.2); c.1834del, p.Ser612fs (NM_001354901.2); and 5 more; short protein forms S388fs, S511fs, S545fs, S570fs, S580fs, S612fs, S630fs, S643fs.
Identifiers: ClinVar variation 1070743 (VCV001070743.11), dbSNP rs2149858700, ClinGen allele CA2499217452.

ClinVar aggregate classification (germline): Pathogenic. Review status: criteria provided, multiple submitters, no conflicts (2 of 4 stars). 2 submissions from 2 submitters: Pathogenic (2). Last evaluated 2023-08-01.

Conditions:
Familial adenomatous polyposis 1 (FAP1). Also called: POLYPOSIS, ADENOMATOUS INTESTINAL; FAMILIAL ADENOMATOUS POLYPOSIS 1, ATTENUATED. Identifiers: MedGen C2713442, MONDO:0021056, OMIM 175100. Disease mechanism: loss of function.

Submissions (2):

Labcorp Genetics (formerly Invitae), Labcorp
Classification: Pathogenic for Familial adenomatous polyposis 1. Last evaluated: 2023-08-01. Review status: criteria provided, single submitter. Criteria: Invitae Variant Classification Sherloc (09022015). Collection method: clinical testing. Allele origin: germline.
Comment: This sequence change creates a premature translational stop signal (p.Ser671Leufs*4) in the APC gene. While this is not anticipated to result in nonsense mediated decay, it is expected to disrupt the last 2173 amino acid(s) of the APC protein. This variant is not present in population databases (gnomAD no frequency). This variant has not been reported in the literature in individuals affected with APC-related conditions. ClinVar contains an entry for this variant (Variation ID: 1070743). This variant is expected to disrupt the EB1 and HDLG binding sites, which mediate interactions with the cytoskeleton (PMID: 15311282, 17293347). While functional studies have not been performed to directly test the effect on APC protein function, this suggests that disruption of the C-terminal portion of the protein is functionally important. A different truncation (p.Tyr2645Lysfs*14) that lies downstream of this variant has been determined to be pathogenic (PMID: 9824584, 1316610, 27081525, 8381579, 22135120, Invitae). This suggests that deletion of this region of the APC protein is causative of disease. For these reasons, this variant has been classified as Pathogenic.

Myriad Genetics, Inc.
Classification: Pathogenic for Familial adenomatous polyposis 1. Last evaluated: 2023-05-03. Review status: criteria provided, single submitter. Criteria: Myriad Autosomal Dominant, Autosomal Recessive and X-Linked Classification Criteria (2023). Collection method: clinical testing. Allele origin: unknown.
Comment: This variant is considered pathogenic. This variant creates a frameshift predicted to result in premature protein truncation.

Literature cited by the submitters: PubMed 15311282 (cited by Labcorp Genetics (formerly Invitae), Labcorp); PubMed 17293347 (cited by Labcorp Genetics (formerly Invitae), Labcorp); PubMed 9824584 (cited by Labcorp Genetics (formerly Invitae), Labcorp); PubMed 1316610 (cited by Labcorp Genetics (formerly Invitae), Labcorp); PubMed 27081525 (cited by Labcorp Genetics (formerly Invitae), Labcorp); PubMed 8381579 (cited by Labcorp Genetics (formerly Invitae), Labcorp); PubMed 22135120 (cited by Labcorp Genetics (formerly Invitae), Labcorp).